The following is an entry in ClinVar:

ClinVar aggregate classification (germline): Pathogenic (1 of 4 stars; one submission).

Submission:

Labcorp Genetics (formerly Invitae), Labcorp
Classification: Pathogenic. Last evaluated: 2022-02-20. Review status: criteria provided, single submitter. Criteria: Invitae Variant Classification Sherloc (09022015). Collection method: clinical testing. Allele origin: germline.
Comment: For these reasons, this variant has been classified as Pathogenic. This variant has not been reported in the literature in individuals affected with NDUFAF5-related conditions. This variant is not present in population databases (gnomAD no frequency). This sequence change creates a premature translational stop signal (p.Leu258*) in the NDUFAF5 gene. It is expected to result in an absent or disrupted protein product. Loss-of-function variants in NDUFAF5 are known to be pathogenic (PMID: 26275793, 30473481, 32918965).

Literature cited by the submitters: PubMed 26275793; PubMed 30473481; PubMed 32918965.

NM_024120.5(NDUFAF5):c.773T>A (p.Leu258Ter)

Gene: NDUFAF5 (NADH:ubiquinone oxidoreductase complex assembly factor 5; plus strand). Cytogenetic location: 20p12.1.
Variant type: single nucleotide variant.
Coding change: c.773T>A on transcript NM_024120.5 (MANE Select); coding-DNA position 773, T replaced by A.
Protein change: p.Leu258Ter; replaces leucine 258 with a stop codon.
Molecular consequence: nonsense. On other transcripts: non-coding transcript variant (7).
Genome position (GRCh38, 1-based): chr20:13,808,897, T>A. VCF-style: chr20-13808897-T-A. GRCh37 (hg19) VCF-style: chr20-13789543-T-A.
Other names: c.689T>A, p.Leu230Ter (NM_001039375.3); c.302T>A, p.Leu101Ter (NM_001352403.2); c.212T>A, p.Leu71Ter (NM_001352406.2, NM_001352407.2); short protein forms L101*, L71*, L258*, L230*.
Identifiers: ClinVar variation 2094481 (VCV002094481.4), dbSNP rs2516231282, ClinGen allele CA408272033.
Genomic context (GRCh38, chr20:13,808,897, plus strand): 5'-AATAGGACACTGATGAAATTCAAGTTAACTATCCTGGAATGTTTGAATTGATGGAAGATT[T>A]ACAAGGTAAGGCACTTTAAAGAATTTTTAGACTCCATTGGGAAAGGTAGGCCAAAAAAAA-3'